The following is an entry in ClinVar:

NM_001852.4(COL9A2):c.307C>T (p.Gln103Ter)

Gene: COL9A2 (collagen type IX alpha 2 chain; minus strand). Cytogenetic location: 1p34.2.
Variant type: single nucleotide variant.
Coding change: c.307C>T on transcript NM_001852.4 (MANE Select); coding-DNA position 307, C replaced by T.
Protein change: p.Gln103Ter; replaces glutamine 103 with a stop codon.
Molecular consequence: nonsense.
Genome position (GRCh38, 1-based): chr1:40,312,606, G>A on the plus strand (C>T on the coding strand, the complement: COL9A2 is on the minus strand). VCF-style: chr1-40312606-G-A. GRCh37 (hg19) VCF-style: chr1-40778278-G-A.
Other names: short protein forms Q103*.
Identifiers: ClinVar variation 2633445 (VCV002633445.1), dbSNP rs2522561294, ClinGen allele CA339857260.

ClinVar aggregate classification (germline): Likely pathogenic (1 of 4 stars; one submission).

Conditions:
COL9A2-related disorder. Also called: COL9A2-related condition.

Submission:

PreventionGenetics, part of Exact Sciences
Classification: Likely pathogenic for COL9A2-related condition. Last evaluated: 2023-04-26. Review status: criteria provided, single submitter. Criteria: ACMG Guidelines, 2015. Collection method: clinical testing. Allele origin: germline.
Comment: The COL9A2 c.307C>T variant is predicted to result in premature protein termination (p.Gln103*). To our knowledge, this variant has not been reported in the literature or in a large population database, indicating this variant is rare. Nonsense variants in COL9A2 are expected to be pathogenic. This variant is interpreted as likely pathogenic.